The following is an entry in ClinVar:

NC_000011.9:g.(?_108173710)_(108236286_?)del

Gene: ATM (ATM serine/threonine kinase; plus strand). Cytogenetic location: 11q22.3.
Variant type: Deletion.
Identifiers: ClinVar variation 4073553 (VCV004073553.1).

ClinVar aggregate classification (germline): Likely pathogenic (1 of 4 stars; one submission).

Conditions:
Familial cancer of breast. Also called: hereditary breast carcinoma; BREAST CANCER, FAMILIAL; Hereditary breast cancer. Identifiers: Orphanet 227535, MedGen C0346153, MONDO:0016419, OMIM 114480. Disease mechanism: loss of function.

Submission:

KCCC/NGS Laboratory, Kuwait Cancer Control Center
Classification: Likely pathogenic for Familial cancer of breast. Last evaluated: 2025-08-04. Review status: criteria provided, single submitter. Criteria: ACMG Guidelines, 2015. Collection method: clinical testing. Allele origin: germline. Inheritance: Autosomal dominant inheritance. Affected: yes. Observed: 1 heterozygote.
Comment: A copy number variant was detected in the ATM gene. The deleted region encompases exons 36 to 63. Heterozygous partially deletions in the ATM gene are published as disease causing . This CNV contains 1101 loss-of-function causing variants and contain 34 pathogenic CNVs previously reported . This structural variant affects 22 domains.In summary this CNV loss classified as likely pathogenic .